The following is an entry in ClinVar:

ClinVar aggregate classification (germline): Uncertain significance (1 of 4 stars; one submission).

Allele frequency attached by ClinVar (database versions not stated): gnomAD exomes below 0.00001.
gnomAD v4.1: 5 of 1,605,198 alleles (0.00031%); highest among the groups gnomAD compares: African/African-American, 0.0013%; no homozygotes.

Submission:

Labcorp Genetics (formerly Invitae), Labcorp
Classification: Uncertain significance. Last evaluated: 2022-04-24. Review status: criteria provided, single submitter. Criteria: Invitae Variant Classification Sherloc (09022015). Collection method: clinical testing. Allele origin: germline.
Comment: This sequence change replaces isoleucine, which is neutral and non-polar, with valine, which is neutral and non-polar, at codon 319 of the TCIRG1 protein (p.Ile319Val). The frequency data for this variant in the population databases is considered unreliable, as metrics indicate poor data quality at this position in the gnomAD database. This variant has not been reported in the literature in individuals affected with TCIRG1-related conditions. Algorithms developed to predict the effect of missense changes on protein structure and function output the following: SIFT: "Tolerated"; PolyPhen-2: "Benign"; Align-GVGD: "Class C0". The valine amino acid residue is found in multiple mammalian species, which suggests that this missense change does not adversely affect protein function. In summary, the available evidence is currently insufficient to determine the role of this variant in disease. Therefore, it has been classified as a Variant of Uncertain Significance.

NM_006019.4(TCIRG1):c.955A>G (p.Ile319Val)

Gene: TCIRG1 (T cell immune regulator 1, ATPase H+ transporting V0 subunit a3; plus strand). Cytogenetic location: 11q13.2.
Variant type: single nucleotide variant.
Coding change: c.955A>G on transcript NM_006019.4 (MANE Select); coding-DNA position 955, A replaced by G.
Protein change: p.Ile319Val; replaces isoleucine 319 with valine.
Molecular consequence: missense variant.
Genome position (GRCh38, 1-based): chr11:68,044,279, A>G. VCF-style: chr11-68044279-A-G. GRCh37 (hg19) VCF-style: chr11-67811746-A-G.
Other names: c.61A>G, p.Ile21Val (NM_001351059.2); c.307A>G, p.Ile103Val (NM_006053.4); short protein forms I103V, I21V, I319V.
Identifiers: ClinVar variation 2130006 (VCV002130006.4), dbSNP rs1273183083, ClinGen allele CA381580690.
Genomic context (GRCh38, chr11:68,044,279, plus strand): 5'-ATGAAGGCCGTGTACCTGGCCCTGAACCAGTGCAGCGTGAGCACCACGCACAAGTGCCTC[A>G]TTGCCGAGGCCTGGTGCTCTGTGCGAGACCTGCCCGCCCTGCAGGAGGCCCTGCGGGACA-3'
Protein context (NP_006010.2, residues 309-329): CSVSTTHKCL[Ile319Val]AEAWCSVRDL